The following is an entry in ClinVar:

ClinVar aggregate classification (germline): Uncertain significance (1 of 4 stars; one submission).

Conditions:
Dilated cardiomyopathy 1JJ (CMD1JJ). Identifiers: Orphanet 154, MedGen C3808935, MONDO:0014095, OMIM 615235.

Allele frequency attached by ClinVar (database versions not stated): gnomAD exomes below 0.00001; TOPMed below 0.00001.
gnomAD v4.1: 1 of 1,613,304 alleles (0.000062%); highest among the groups gnomAD compares: Non-Finnish European, 0.000085%; no homozygotes.

Submission:

Labcorp Genetics (formerly Invitae), Labcorp
Classification: Uncertain significance for Dilated cardiomyopathy 1JJ. Last evaluated: 2022-12-07. Review status: criteria provided, single submitter. Criteria: Invitae Variant Classification Sherloc (09022015). Collection method: clinical testing. Allele origin: germline.
Comment: This variant has not been reported in the literature in individuals affected with LAMA4-related conditions. This sequence change replaces glutamine, which is neutral and polar, with arginine, which is basic and polar, at codon 566 of the LAMA4 protein (p.Gln566Arg). The frequency data for this variant in the population databases is considered unreliable, as metrics indicate poor data quality at this position in the gnomAD database. Algorithms developed to predict the effect of missense changes on protein structure and function (SIFT, PolyPhen-2, Align-GVGD) all suggest that this variant is likely to be tolerated. In summary, the available evidence is currently insufficient to determine the role of this variant in disease. Therefore, it has been classified as a Variant of Uncertain Significance.

NM_001105206.3(LAMA4):c.1718A>G (p.Gln573Arg)

Gene: LAMA4 (laminin subunit alpha 4; minus strand). Cytogenetic location: 6q21.
Variant type: single nucleotide variant.
Coding change: c.1718A>G on transcript NM_001105206.3 (MANE Select); coding-DNA position 1718, A replaced by G.
Protein change: p.Gln573Arg; replaces glutamine 573 with arginine.
Molecular consequence: missense variant.
Genome position (GRCh38, 1-based): chr6:112,158,831, T>C on the plus strand (A>G on the coding strand, the complement: LAMA4 is on the minus strand). VCF-style: chr6-112158831-T-C. GRCh37 (hg19) VCF-style: chr6-112480033-T-C.
Other names: c.1697A>G, p.Gln566Arg (NM_001105207.3, NM_002290.5); short protein forms Q566R, Q573R.
Identifiers: ClinVar variation 2791525 (VCV002791525.3), dbSNP rs1554337634, ClinGen allele CA365365766.
Genomic context (GRCh38, chr6:112,158,831, plus strand): 5'-TGGTCAATAGCTTCTTGGACTAAATCATGGCTGAGGTTACTTAGGTTAGATAGTTTTACT[T>C]GTAGTTCACTTTTGGCTCCATCTATTTCTGCATAAATCCCTGACGCATTCTAAAGAAAAA-3'
Protein context (NP_001098676.2, residues 563-583): AEIDGAKSEL[Gln573Arg]VKLSNLSNLS